The following is an entry in ClinVar:

ClinVar aggregate classification (germline): Uncertain significance. Review status: criteria provided, multiple submitters, no conflicts (2 of 4 stars). 5 submissions from 5 submitters: Uncertain significance (5). Last evaluated 2026-03-04.

Conditions:
Polycystic kidney disease, adult type (PKD1). Also called: POLYCYSTIC KIDNEY DISEASE, ADULT, TYPE I; Polycystic Kidney, Autosomal Dominant; Polycystic Kidney Disease 1, Autosomal Dominant; Polycystic kidney disease 1; Polycystic kidney disease 1, severe; POLYCYSTIC KIDNEY DISEASE 1 WITH OR WITHOUT POLYCYSTIC LIVER DISEASE. Identifiers: MedGen C3149841, MONDO:0008263, OMIM 173900.
PKD1-related disorder. Also called: PKD1-related condition.
Inborn genetic diseases. Identifiers: MedGen C0950123, MeSH D030342.

Allele frequency attached by ClinVar (database versions not stated): TOPMed 0.00002; gnomAD 0.00003.
gnomAD v4.1: 15 of 1,556,142 alleles (0.00096%); highest among the groups gnomAD compares: African/African-American, 0.0027%; no homozygotes.

Submissions (5):

PreventionGenetics, part of Exact Sciences
Classification: Uncertain significance for PKD1-related condition. Last evaluated: 2026-03-04. Review status: criteria provided, single submitter. Criteria: ACMG Guidelines, 2015. Collection method: clinical testing. Allele origin: germline.
Comment: The PKD1 c.9199C>T variant is predicted to result in the amino acid substitution p.Pro3067Ser. To our knowledge, this variant has not been reported in the literature or in a large population database (gnomad), indicating this variant is rare. This variant falls within a highly paralogous region. Allele frequency data should be interpreted with caution. Although we suspect this variant is benign, at this time, the clinical significance of this variant is uncertain due to the absence of conclusive functional and genetic evidence.

Ambry Genetics
Classification: Uncertain significance for Inborn genetic diseases. Last evaluated: 2024-08-12. Review status: criteria provided, single submitter. Criteria: Ambry Variant Classification Scheme 2023. Collection method: clinical testing. Allele origin: germline.

GeneDx
Classification: Uncertain significance. Last evaluated: 2024-06-18. Review status: criteria provided, single submitter. Criteria: GeneDx Variant Classification Process June 2021. Collection method: clinical testing. Allele origin: germline. Affected: yes.
Comment: Not observed at significant frequency in large population cohorts (gnomAD); In silico analysis supports that this missense variant has a deleterious effect on protein structure/function; Has not been previously published as pathogenic or benign to our knowledge

Fulgent Genetics
Classification: Uncertain significance for Polycystic kidney disease, adult type. Last evaluated: 2021-12-01. Review status: criteria provided, single submitter. Criteria: ACMG Guidelines, 2015. Collection method: clinical testing. Allele origin: unknown.

ARUP Laboratories, Molecular Genetics and Genomics, ARUP Laboratories
Classification: Uncertain significance. Last evaluated: 2018-06-22. Review status: criteria provided, single submitter. Criteria: ARUP Molecular Germline Variant Investigation Process. Collection method: clinical testing. Allele origin: germline.
Comment: The PKD1 c.9199C>T; p.Pro3067Ser variant, to our knowledge, is not reported in the medical literature or gene specific databases. This variant is absent from general population databases (1000 Genomes Project, Exome Variant Server, and Genome Aggregation Database), indicating it is not a common polymorphism. The proline at codon 3067 is highly conserved, but computational analyses (SIFT: tolerated, PolyPhen-2: probably damaging) predict conflicting effects of this variant on protein structure/function. Due to limited information, the clinical significance of the p.Pro3067Ser variant is uncertain at this time.

NM_001009944.3(PKD1):c.9199C>T (p.Pro3067Ser)

Gene: PKD1 (polycystin 1, transient receptor potential channel interacting; minus strand). Cytogenetic location: 16p13.3.
Variant type: single nucleotide variant.
Coding change: c.9199C>T on transcript NM_001009944.3 (MANE Select); coding-DNA position 9199, C replaced by T.
Protein change: p.Pro3067Ser; replaces proline 3067 with serine.
Molecular consequence: missense variant.
Genome position (GRCh38, 1-based): chr16:2,102,383, G>A on the plus strand (C>T on the coding strand, the complement: PKD1 is on the minus strand). VCF-style: chr16-2102383-G-A. GRCh37 (hg19) VCF-style: chr16-2152384-G-A.
Other names: c.9199C>T, p.Pro3067Ser (NM_000296.4); short protein forms P3067S.
Identifiers: ClinVar variation 618318 (VCV000618318.13), dbSNP rs1211697062, ClinGen allele CA394358416.
Genomic context (GRCh38, chr16:2,102,383, plus strand): 5'-AGCCCACCCAGGCCCTCCTCGACTCTGCAGAGGCTCCCAGGAGCACAGGGTCACTCACAG[G>A]AAACACAAAGCGGACATGGCTTGGGGGCACGAAGAGGCTGGCGCCGAAGGCGGTGAGGTG-3'
Protein context (NP_001009944.3, residues 3057-3077): VPPSHVRFVF[Pro3067Ser]EPTADVNYIV